The following is an entry in ClinVar:

NM_001253852.3(AP4B1):c.266C>T (p.Thr89Met)

Gene: AP4B1 (adaptor related protein complex 4 subunit beta 1; minus strand). Cytogenetic location: 1p13.2.
Variant type: single nucleotide variant.
Coding change: c.266C>T on transcript NM_001253852.3 (MANE Select); coding-DNA position 266, C replaced by T.
Protein change: p.Thr89Met; replaces threonine 89 with methionine.
Molecular consequence: missense variant. On other transcripts: 5 prime UTR variant (1), intron variant (1).
Genome position (GRCh38, 1-based): chr1:113,902,710, G>A on the plus strand (C>T on the coding strand, the complement: AP4B1 is on the minus strand). VCF-style: chr1-113902710-G-A. GRCh37 (hg19) VCF-style: chr1-114445332-G-A.
Other names: c.-32C>T (NM_001253853.3); c.266C>T, p.Thr89Met (NM_006594.5); c.113+1895C>T (NM_001308312.2); short protein forms T89M.
Identifiers: ClinVar variation 1494321 (VCV001494321.6), dbSNP rs1454940627, ClinGen allele CA341690008.

ClinVar aggregate classification (germline): Uncertain significance (1 of 4 stars; one submission).

Conditions:
Hereditary spastic paraplegia 47. Also called: CEREBRAL PALSY, SPASTIC QUADRIPLEGIC, 5; Spastic paraplegia 47, autosomal recessive; adaptor protein 4 (AP-4) deficiency syndrome. Identifiers: Orphanet 280763, MedGen C3279738, MONDO:0013551, OMIM 614066.

Allele frequency attached by ClinVar (database versions not stated): gnomAD 0.00001; gnomAD exomes 0.00001 and 0.00002; TOPMed 0.00002.

Submission:

Labcorp Genetics (formerly Invitae), Labcorp
Classification: Uncertain significance for Hereditary spastic paraplegia 47. Last evaluated: 2022-11-14. Review status: criteria provided, single submitter. Criteria: Invitae Variant Classification Sherloc (09022015). Collection method: clinical testing. Allele origin: germline.
Comment: In summary, the available evidence is currently insufficient to determine the role of this variant in disease. Therefore, it has been classified as a Variant of Uncertain Significance. Advanced modeling of protein sequence and biophysical properties (such as structural, functional, and spatial information, amino acid conservation, physicochemical variation, residue mobility, and thermodynamic stability) performed at Invitae indicates that this missense variant is expected to disrupt AP4B1 protein function. ClinVar contains an entry for this variant (Variation ID: 1494321). This variant has not been reported in the literature in individuals affected with AP4B1-related conditions. This sequence change replaces threonine, which is neutral and polar, with methionine, which is neutral and non-polar, at codon 89 of the AP4B1 protein (p.Thr89Met). This variant is present in population databases (no rsID available, gnomAD 0.003%).